The following is an entry in ClinVar:

NM_001540.5(HSPB1):c.39C>T (p.Gly13=)

Gene: HSPB1 (heat shock protein family B (small) member 1; plus strand). Cytogenetic location: 7q11.23.
Variant type: single nucleotide variant.
Coding change: c.39C>T on transcript NM_001540.5 (MANE Select); coding-DNA position 39, C replaced by T.
Protein change: p.Gly13=; no amino-acid change (glycine 13 retained).
Molecular consequence: synonymous variant.
Genome position (GRCh38, 1-based): chr7:76,302,751, C>T. VCF-style: chr7-76302751-C-T. GRCh37 (hg19) VCF-style: chr7-75932068-C-T.
Other names: c.39C>T (NM_001540.3).
Identifiers: ClinVar variation 1158035 (VCV001158035.11), dbSNP rs750588141, ClinGen allele CA4306241.

ClinVar aggregate classification (germline): Likely benign. Review status: criteria provided, multiple submitters, no conflicts (2 of 4 stars). 3 submissions from 3 submitters: Likely benign (3). Last evaluated 2026-05-04.

Conditions:
Charcot-Marie-Tooth disease axonal type 2F (CMT2F). Also called: Charcot-Marie-Tooth Neuropathy Type 2F; CHARCOT-MARIE-TOOTH DISEASE, NEURONAL, TYPE 2F. Identifiers: Orphanet 99940, MedGen C1847823, MONDO:0011687, OMIM 606595.
HSPB1-related disorder. Also called: HSPB1-related condition; HSPB1-related disorders.

Allele frequency attached by ClinVar (database versions not stated): gnomAD exomes 0.00001; ExAC 0.00002; gnomAD 0.00004.
gnomAD v4.1: 12 of 1,606,400 alleles (0.00075%); highest among the groups gnomAD compares: African/African-American, 0.013%; no homozygotes.

Submissions (3):

Women's Health and Genetics/Laboratory Corporation of America, LabCorp
Classification: Likely benign. Last evaluated: 2026-05-04. Review status: criteria provided, single submitter. Criteria: LabCorp Variant Classification Summary - May 2015. Collection method: clinical testing. Allele origin: germline.

PreventionGenetics, part of Exact Sciences
Classification: Likely benign for HSPB1-related condition. Last evaluated: 2026-02-26. Review status: criteria provided, single submitter. Criteria: ACMG Guidelines, 2015. Collection method: clinical testing. Allele origin: germline.
Comment: This variant is classified as likely benign based on ACMG/AMP sequence variant interpretation guidelines (Richards et al. 2015 PMID: 25741868, with internal and published modifications).

Labcorp Genetics (formerly Invitae), Labcorp
Classification: Likely benign for Charcot-Marie-Tooth disease axonal type 2F. Last evaluated: 2023-12-21. Review status: criteria provided, single submitter. Criteria: Invitae Variant Classification Sherloc (09022015). Collection method: clinical testing. Allele origin: germline.